The following is an entry in ClinVar:

ClinVar aggregate classification (germline): Uncertain significance. Review status: criteria provided, multiple submitters, no conflicts (2 of 4 stars). 3 submissions from 3 submitters: Uncertain significance (3). Last evaluated 2023-02-08.

Conditions:
Autosomal recessive limb-girdle muscular dystrophy type 2D (LGMDR3). Also called: DUCHENNE-LIKE AUTOSOMAL RECESSIVE MUSCULAR DYSTROPHY, TYPE 2; MUSCULAR DYSTROPHY, LIMB-GIRDLE, AUTOSOMAL RECESSIVE 3; ADHALINOPATHY, PRIMARY. Identifiers: Orphanet 62, MedGen C2936332, MONDO:0011968, OMIM 608099. Disease mechanism: Affects gamma-sarcoglycan and also disrupts the integrity of the entire sarcoglycan complex..

Allele frequency attached by ClinVar (database versions not stated): gnomAD exomes below 0.00001.
gnomAD v4.1: 5 of 1,609,038 alleles (0.00031%); highest among the groups gnomAD compares: Non-Finnish European, 0.00042%; no homozygotes.

Submissions (3):

Genome-Nilou Lab
Classification: Uncertain significance for Autosomal recessive limb-girdle muscular dystrophy type 2D. Last evaluated: 2023-02-08. Review status: criteria provided, single submitter. Criteria: ACMG Guidelines, 2015. Collection method: clinical testing. Allele origin: germline.

Labcorp Genetics (formerly Invitae), Labcorp
Classification: Uncertain significance for Autosomal recessive limb-girdle muscular dystrophy type 2D. Last evaluated: 2021-08-21. Review status: criteria provided, single submitter. Criteria: Invitae Variant Classification Sherloc (09022015). Collection method: clinical testing. Allele origin: germline.
Comment: This sequence change replaces glutamic acid with lysine at codon 104 of the SGCA protein (p.Glu104Lys). The glutamic acid residue is highly conserved and there is a small physicochemical difference between glutamic acid and lysine. This variant is not present in population databases (ExAC no frequency). This variant has not been reported in the literature in individuals with SGCA-related disease. Algorithms developed to predict the effect of missense changes on protein structure and function are either unavailable or do not agree on the potential impact of this missense change (SIFT: "Deleterious"; PolyPhen-2: "Probably Damaging"; Align-GVGD: "Class C0"). In summary, the available evidence is currently insufficient to determine the role of this variant in disease. Therefore, it has been classified as a Variant of Uncertain Significance.

GeneDx
Classification: Uncertain significance. Last evaluated: 2021-06-04. Review status: criteria provided, single submitter. Criteria: GeneDx Variant Classification Process June 2021. Collection method: clinical testing. Allele origin: germline. Affected: yes.
Comment: Not observed at significant frequency in large population cohorts (Lek et al., 2016); In silico analysis supports that this missense variant has a deleterious effect on protein structure/function; Has not been previously published as pathogenic or benign to our knowledge; This variant is associated with the following publications: (PMID: 19781108, 27535533)

NM_000023.4(SGCA):c.310G>A (p.Glu104Lys)

Gene: SGCA (sarcoglycan alpha; plus strand). Cytogenetic location: 17q21.33.
Variant type: single nucleotide variant.
Coding change: c.310G>A on transcript NM_000023.4 (MANE Select); coding-DNA position 310, G replaced by A.
Protein change: p.Glu104Lys; replaces glutamic acid 104 with lysine.
Molecular consequence: missense variant. On other transcripts: non-coding transcript variant (1).
Genome position (GRCh38, 1-based): chr17:50,167,734, G>A. VCF-style: chr17-50167734-G-A. GRCh37 (hg19) VCF-style: chr17-48245095-G-A.
Other names: c.310G>A, p.Glu104Lys (NM_001135697.3); short protein forms E104K.
Identifiers: ClinVar variation 1327393 (VCV001327393.4), dbSNP rs2144494625, ClinGen allele CA400178015.